The following is an entry in ClinVar:

NM_015465.5(GEMIN5):c.3469G>A (p.Val1157Met)

Gene: GEMIN5 (gem nuclear organelle associated protein 5; minus strand). Cytogenetic location: 5q33.2.
Variant type: single nucleotide variant.
Coding change: c.3469G>A on transcript NM_015465.5 (MANE Select); coding-DNA position 3469, G replaced by A.
Protein change: p.Val1157Met; replaces valine 1157 with methionine.
Molecular consequence: missense variant.
Genome position (GRCh38, 1-based): chr5:154,896,220, C>T on the plus strand (G>A on the coding strand, the complement: GEMIN5 is on the minus strand). VCF-style: chr5-154896220-C-T. GRCh37 (hg19) VCF-style: chr5-154275780-C-T.
Other names: c.3466G>A, p.Val1156Met (NM_001252156.2); c.3469G>A (NM_015465.4); short protein forms V1157M, V1156M.
Identifiers: ClinVar variation 3281199 (VCV003281199.2).

ClinVar aggregate classification (germline): Uncertain significance. Review status: criteria provided, multiple submitters, no conflicts (2 of 4 stars). 2 submissions from 2 submitters: Uncertain significance (2). Last evaluated 2024-06-22.

Conditions:
Inborn genetic diseases. Identifiers: MedGen C0950123, MeSH D030342.

gnomAD v4.1: 44 of 1,613,786 alleles (0.0027%); highest among the groups gnomAD compares: African/African-American, 0.02%; no homozygotes.

Submissions (2):

Ambry Genetics
Classification: Uncertain significance for Inborn genetic diseases. Last evaluated: 2024-06-22. Review status: criteria provided, single submitter. Criteria: Ambry Variant Classification Scheme 2023. Collection method: clinical testing. Allele origin: germline.

GeneDx
Classification: Uncertain significance. Last evaluated: 2024-06-18. Review status: criteria provided, single submitter. Criteria: GeneDx Variant Classification Process June 2021. Collection method: clinical testing. Allele origin: germline. Affected: yes.
Comment: In silico analysis indicates that this missense variant does not alter protein structure/function; Has not been previously published as pathogenic or benign to our knowledge